The following is an entry in ClinVar:

NM_000182.5(HADHA):c.1221-1G>C

Genes: GAREM2 (GRB2 associated regulator of MAPK1 subtype 2; plus strand), HADHA (hydroxyacyl-CoA dehydrogenase trifunctional multienzyme complex subunit alpha; minus strand). Cytogenetic location: 2p23.3.
Variant type: single nucleotide variant.
Coding change: c.1221-1G>C on transcript NM_000182.5 (MANE Select); the canonical splice acceptor site of the intron before coding-DNA position 1221, G replaced by C.
Molecular consequence: splice acceptor variant.
Genome position (GRCh38, 1-based): chr2:26,201,321, C>G on the plus strand (G>C on the coding strand, the complement: HADHA is on the minus strand). VCF-style: chr2-26201321-C-G. GRCh37 (hg19) VCF-style: chr2-26424190-C-G.
Identifiers: ClinVar variation 370098 (VCV000370098.4), dbSNP rs1057516233, ClinGen allele CA16040876.

ClinVar aggregate classification (germline): Likely pathogenic. Review status: criteria provided, single submitter (1 of 4 stars). 2 submissions from 2 submitters: Likely pathogenic (1). 1 of the submissions does not count toward it. Last evaluated 2025-11-17.

Conditions:
Long chain 3-hydroxyacyl-CoA dehydrogenase deficiency. Also called: Deficiency of long-chain 3-hydroxyacyl-coenzyme A dehydrogenase; LCHAD Deficiency. Identifiers: Orphanet 5, MedGen C3711645, MONDO:0012173, OMIM 609016.

Submissions (2):

Natera, Inc.
Classification: Likely pathogenic for Deficiency of long-chain 3-hydroxyacyl-coenzyme A dehydrogenase. Last evaluated: 2025-11-17. Review status: criteria provided, single submitter. Criteria: Natera Variant Classification Schema (03/2026). Collection method: clinical testing. Allele origin: germline.
Comment: The c.1221-1G>C variant in HADHA is a canonical splice acceptor site variant predicted to affect pre-mRNA splicing, which may result in an abnormal transcript and altered protein product. This variant is expected to result in nonsense mediated decay, truncation, or a dysfunctional protein product. This variant is rare in the general population with a frequency below the threshold expected for the associated phenotype(s). Given the available evidence, this variant is classified as Likely Pathogenic.

Counsyl
Classification: Likely pathogenic for Long chain 3-hydroxyacyl-CoA dehydrogenase deficiency. Last evaluated: 2015-11-18. Review status: no assertion criteria provided. Collection method: clinical testing. Allele origin: unknown. Not counted in ClinVar's aggregate classification.